The following is an entry in ClinVar:

ClinVar aggregate classification (germline): Uncertain significance. Review status: criteria provided, multiple submitters, no conflicts (2 of 4 stars). 2 submissions from 2 submitters: Uncertain significance (2). Last evaluated 2024-12-28.

Conditions:
Inborn genetic diseases. Identifiers: MedGen C0950123, MeSH D030342.

Submissions (2):

Ambry Genetics
Classification: Uncertain significance for Inborn genetic diseases. Last evaluated: 2024-12-28. Review status: criteria provided, single submitter. Criteria: Ambry Variant Classification Scheme 2023. Collection method: clinical testing. Allele origin: germline.
Comment: The p.I1544T variant (also known as c.4631T>C), located in coding exon 1 of the SAMD9L gene, results from a T to C substitution at nucleotide position 4631. The isoleucine at codon 1544 is replaced by threonine, an amino acid with similar properties. This amino acid position is conserved. In addition, this alteration is predicted to be tolerated by in silico analysis. Based on the available evidence, the clinical significance of this variant remains unclear.

Labcorp Genetics (formerly Invitae), Labcorp
Classification: Uncertain significance. Last evaluated: 2024-04-05. Review status: criteria provided, single submitter. Criteria: Invitae Variant Classification Sherloc (09022015). Collection method: clinical testing. Allele origin: germline.
Comment: This sequence change replaces isoleucine, which is neutral and non-polar, with threonine, which is neutral and polar, at codon 1544 of the SAMD9L protein (p.Ile1544Thr). This variant is not present in population databases (gnomAD no frequency). This variant has not been reported in the literature in individuals affected with SAMD9L-related conditions. Advanced modeling of protein sequence and biophysical properties (such as structural, functional, and spatial information, amino acid conservation, physicochemical variation, residue mobility, and thermodynamic stability) performed at Invitae indicates that this missense variant is not expected to disrupt SAMD9L protein function with a negative predictive value of 80%. In summary, the available evidence is currently insufficient to determine the role of this variant in disease. Therefore, it has been classified as a Variant of Uncertain Significance.

NM_152703.5(SAMD9L):c.4631T>C (p.Ile1544Thr)

Gene: SAMD9L (sterile alpha motif domain containing 9 like; minus strand). Cytogenetic location: 7q21.2.
Variant type: single nucleotide variant.
Coding change: c.4631T>C on transcript NM_152703.5 (MANE Select); coding-DNA position 4631, T replaced by C.
Protein change: p.Ile1544Thr; replaces isoleucine 1544 with threonine.
Molecular consequence: missense variant.
Genome position (GRCh38, 1-based): chr7:93,131,341, A>G on the plus strand (T>C on the coding strand, the complement: SAMD9L is on the minus strand). VCF-style: chr7-93131341-A-G. GRCh37 (hg19) VCF-style: chr7-92760654-A-G.
Other names: c.4631T>C (NM_152703.2); c.4631T>C, p.Ile1544Thr (NM_001350085.2, NM_001303496.3, NM_001303497.3 and 5 more transcripts); short protein forms I1544T.
Identifiers: ClinVar variation 3648907 (VCV003648907.3).